The following is an entry in ClinVar:

NM_001852.4(COL9A2):c.134_136del (p.Gly45_Ser46delinsAla)

Genes: COL9A2 (collagen type IX alpha 2 chain; minus strand), LOC129930261 (ATAC-STARR-seq lymphoblastoid silent region 724; plus strand). Cytogenetic location: 1p34.2.
Variant type: Deletion.
Coding change: c.134_136del on transcript NM_001852.4 (MANE Select); coding-DNA positions 134 to 136, 3 bases deleted (GAT; older notation c.134_136delGAT).
Protein change: p.Gly45_Ser46delinsAla.
Molecular consequence: inframe indel.
Genome position (GRCh38, 1-based): chr1:40,315,604-40,315,606, ATC deleted on the plus strand (GAT on the coding strand, the reverse complement: COL9A2 is on the minus strand). VCF-style (leftmost placement, unchanged base first): chr1-40315603-GATC-G. GRCh37 (hg19) VCF-style: chr1-40781275-GATC-G.
Identifiers: ClinVar variation 1495919 (VCV001495919.8), dbSNP rs2124107116, ClinGen allele CA2573132339.

ClinVar aggregate classification (germline): Uncertain significance (1 of 4 stars; one submission).

Submission:

Labcorp Genetics (formerly Invitae), Labcorp
Classification: Uncertain significance. Last evaluated: 2025-08-21. Review status: criteria provided, single submitter. Criteria: Invitae Variant Classification Sherloc (09022015). Collection method: clinical testing. Allele origin: germline.
Comment: This variant, c.134_136del, is a complex sequence change that results in the deletion of 2 and insertion of 1 amino acid(s) in the COL9A2 protein (p.Gly45_Ser46delinsAla). This variant is not present in population databases (gnomAD no frequency). This variant has not been reported in the literature in individuals affected with COL9A2-related conditions. ClinVar contains an entry for this variant (Variation ID: 1495919). Experimental studies and prediction algorithms are not available or were not evaluated, and the functional significance of this variant is currently unknown. In summary, the available evidence is currently insufficient to determine the role of this variant in disease. Therefore, it has been classified as a Variant of Uncertain Significance.